The following is an entry in ClinVar:

ClinVar aggregate classification (germline): Uncertain significance (1 of 4 stars; one submission).

Conditions:
Sterile multifocal osteomyelitis with periostitis and pustulosis. Also called: CHRONIC RECURRENT MULTIFOCAL OSTEOMYELITIS 2, WITH PERIOSTITIS AND PUSTULOSIS. Identifiers: Orphanet 210115, MedGen C2748507, MONDO:0013021, OMIM 612852.

Submission:

Labcorp Genetics (formerly Invitae), Labcorp
Classification: Uncertain significance for Sterile multifocal osteomyelitis with periostitis and pustulosis. Last evaluated: 2020-01-02. Review status: criteria provided, single submitter. Criteria: Invitae Variant Classification Sherloc (09022015). Collection method: clinical testing. Allele origin: germline.
Comment: In summary, the available evidence is currently insufficient to determine the role of this variant in disease. Therefore, it has been classified as a Variant of Uncertain Significance. Experimental studies and prediction algorithms are not available or were not evaluated, and the functional significance of this variant is currently unknown. This variant has not been reported in the literature in individuals with IL1RN-related conditions. This variant is an in-frame deletion of the genomic region encompassing exon 2 of the IL1RN gene. It preserves the integrity of the reading frame.

NC_000002.11:g.(?_113877623)_(113877725_?)del

Gene: IL1RN (interleukin 1 receptor antagonist; plus strand). Cytogenetic location: 2q13.
Variant type: Deletion.
Identifiers: ClinVar variation 1044614 (VCV001044614.3).